The following is an entry in ClinVar:

NM_007259.5(VPS45):c.898A>G (p.Lys300Glu)

Gene: VPS45 (vacuolar protein sorting 45 homolog; plus strand). Cytogenetic location: 1q21.2.
Variant type: single nucleotide variant.
Coding change: c.898A>G on transcript NM_007259.5 (MANE Select); coding-DNA position 898, A replaced by G.
Protein change: p.Lys300Glu; replaces lysine 300 with glutamic acid.
Molecular consequence: missense variant. On other transcripts: non-coding transcript variant (1).
Genome position (GRCh38, 1-based): chr1:150,081,959, A>G. VCF-style: chr1-150081959-A-G. GRCh37 (hg19) VCF-style: chr1-150054041-A-G.
Other names: c.583A>G, p.Lys195Glu (NM_001279353.2); c.790A>G, p.Lys264Glu (NM_001279354.2); short protein forms K264E, K300E, K195E.
Identifiers: ClinVar variation 1039732 (VCV001039732.11), dbSNP rs782739886, ClinGen allele CA1073260.

ClinVar aggregate classification (germline): Uncertain significance. Review status: criteria provided, multiple submitters, no conflicts (2 of 4 stars). 3 submissions from 3 submitters: Uncertain significance (2). 1 of the submissions does not count toward it. Last evaluated 2025-08-22.

Conditions:
Congenital neutropenia-myelofibrosis-nephromegaly syndrome. Also called: Severe congenital neutropenia 5, autosomal recessive. Identifiers: Orphanet 369852, MedGen C3809031, MONDO:0014118, OMIM 615285.

Allele frequency attached by ClinVar (database versions not stated): gnomAD 0.00001; gnomAD exomes 0.00001 and 0.00007; TOPMed 0.00001; ExAC 0.00007.
gnomAD v4.1: 15 of 1,612,888 alleles (0.00093%); highest among the groups gnomAD compares: East Asian, 0.027%; no homozygotes.

Submissions (3):

Labcorp Genetics (formerly Invitae), Labcorp
Classification: Uncertain significance for Congenital neutropenia-myelofibrosis-nephromegaly syndrome. Last evaluated: 2025-08-22. Review status: criteria provided, single submitter. Criteria: Invitae Variant Classification Sherloc (09022015). Collection method: clinical testing. Allele origin: germline.
Comment: This sequence change replaces lysine, which is basic and polar, with glutamic acid, which is acidic and polar, at codon 300 of the VPS45 protein (p.Lys300Glu). This variant is present in population databases (rs782739886, gnomAD 0.09%). This variant has not been reported in the literature in individuals affected with VPS45-related conditions. ClinVar contains an entry for this variant (Variation ID: 1039732). Invitae Evidence Modeling of protein sequence and biophysical properties (such as structural, functional, and spatial information, amino acid conservation, physicochemical variation, residue mobility, and thermodynamic stability) indicates that this missense variant is not expected to disrupt VPS45 protein function with a negative predictive value of 80%. In summary, the available evidence is currently insufficient to determine the role of this variant in disease. Therefore, it has been classified as a Variant of Uncertain Significance.

Genetic Services Laboratory, University of Chicago
Classification: Uncertain significance. Last evaluated: 2021-11-21. Review status: criteria provided, single submitter. Criteria: ACMG Guidelines, 2015. Collection method: clinical testing. Allele origin: germline. Affected: no.
Comment: DNA sequence analysis of the VPS45 gene demonstrated a sequence change, c.898A>G, in exon 9 that results in an amino acid change, p.Lys300Glu. This sequence change does not appear to have been previously described in individuals with VPS45-related disorders. This sequence change has been described in the gnomAD database with a frequency of 0.085% in the East Asian subpopulation (dbSNP rs782739886). The p.Lys300Glu change affects a moderately conserved amino acid residue located in a domain of the VPS45 protein that is known to be functional. The p.Lys300Glu substitution appears to be benign using several in-silico pathogenicity prediction tools (SIFT, PolyPhen2, Align GVGD, REVEL). Due to insufficient evidence and the lack of functional studies, the clinical significance of the p.Lys300Glu change remains unknown at this time.

Natera, Inc.
Classification: Uncertain significance for Autosomal recessive severe congenital neutropenia 5. Last evaluated: 2021-02-08. Review status: no assertion criteria provided. Collection method: clinical testing. Allele origin: germline. Not counted in ClinVar's aggregate classification.